The following is an entry in ClinVar:

NM_001042492.3(NF1):c.5572G>A (p.Ala1858Thr)

Gene: NF1 (neurofibromin 1; plus strand). Cytogenetic location: 17q11.2.
Variant type: single nucleotide variant.
Coding change: c.5572G>A on transcript NM_001042492.3 (MANE Select); coding-DNA position 5572, G replaced by A.
Protein change: p.Ala1858Thr; replaces alanine 1858 with threonine.
Molecular consequence: missense variant.
Genome position (GRCh38, 1-based): chr17:31,327,802, G>A. VCF-style: chr17-31327802-G-A. GRCh37 (hg19) VCF-style: chr17-29654820-G-A.
Other names: c.5509G>A, p.Ala1837Thr (NM_000267.4); short protein forms A1837T, A1858T.
Identifiers: ClinVar variation 187027 (VCV000187027.15), dbSNP rs786203416, ClinGen allele CA196538.

ClinVar aggregate classification (germline): Uncertain significance. Review status: criteria provided, multiple submitters, no conflicts (2 of 4 stars). 6 submissions from 5 submitters: Uncertain significance (6). Last evaluated 2025-12-01.

Conditions:
NF1-related disorder. Also called: NF1-related condition. Identifiers: MedGen CN379171.
Cardiovascular phenotype. Identifiers: MedGen CN230736.
Hereditary cancer-predisposing syndrome. Also called: Neoplastic Syndromes, Hereditary; Tumor predisposition; Hereditary neoplastic syndrome; Hereditary Cancer Syndrome. Identifiers: Orphanet 140162, MedGen C0027672, MeSH D009386, MONDO:0015356.
Juvenile myelomonocytic leukemia (JMML). Also called: LEUKEMIA, JUVENILE MYELOMONOCYTIC, SOMATIC. Identifiers: Orphanet 86834, MedGen C0349639, MONDO:0011908, OMIM 607785, HP:0012209.
Neurofibromatosis-Noonan syndrome (NFNS). Also called: NEUROFIBROMATOSIS WITH NOONAN PHENOTYPE. Identifiers: Orphanet 638, MedGen C2931482, MONDO:0011035, OMIM 601321. Disease mechanism: loss of function.
Café-au-lait macules with pulmonary stenosis (WTSN). Also called: PULMONIC STENOSIS WITH CAFE-AU-LAIT SPOTS. Identifiers: MedGen C0553586, MONDO:0008672, OMIM 193520.
Neurofibromatosis, familial spinal (FSNF). Identifiers: Orphanet 636, MedGen C1834235, MONDO:0008078, OMIM 162210. Disease mechanism: loss of function.
Neurofibromatosis, type 1 (NF1). Also called: VON RECKLINGHAUSEN DISEASE; Peripheral type neurofibromatosis; Neurofibromatosis, type I; NEUROFIBROMATOSIS, TYPE I, SOMATIC. Identifiers: Orphanet 636, MedGen C0027831, MONDO:0018975, OMIM 162200. Disease mechanism: loss of function.

Allele frequency attached by ClinVar (database versions not stated): gnomAD exomes below 0.00001.
gnomAD v4.1: 5 of 1,614,026 alleles (0.00031%); highest among the groups gnomAD compares: Non-Finnish European, 0.00025%; no homozygotes.

Submissions (6):

PreventionGenetics, part of Exact Sciences
Classification: Uncertain significance for NF1-related condition. Last evaluated: 2025-12-01. Review status: criteria provided, single submitter. Criteria: ACMG Guidelines, 2015. Collection method: clinical testing. Allele origin: germline.
Comment: The NF1 c.5572G>A variant is predicted to result in the amino acid substitution p.Ala1858Thr. This variant is also known as c.5509G>A (p.Ala1837Thr) on the primary reporting transcript NM_000267. To our knowledge, this variant has not been reported in the literature. This variant is reported in 0.0046% of alleles in individuals of European (Finnish) descent in gnomAD. This variant is interpreted as uncertain in ClinVar (Variation ID: 187027). At this time, the clinical significance of this variant is uncertain due to the absence of conclusive functional and genetic evidence.

Labcorp Genetics (formerly Invitae), Labcorp
Classification: Uncertain significance for Neurofibromatosis, type 1. Last evaluated: 2025-06-09. Review status: criteria provided, single submitter. Criteria: Invitae Variant Classification Sherloc (09022015). Collection method: clinical testing. Allele origin: germline.
Comment: This sequence change replaces alanine, which is neutral and non-polar, with threonine, which is neutral and polar, at codon 1837 of the NF1 protein (p.Ala1837Thr). This variant is present in population databases (rs786203416, gnomAD 0.004%). This variant has not been reported in the literature in individuals affected with NF1-related conditions. ClinVar contains an entry for this variant (Variation ID: 187027). Invitae Evidence Modeling of protein sequence and biophysical properties (such as structural, functional, and spatial information, amino acid conservation, physicochemical variation, residue mobility, and thermodynamic stability) indicates that this missense variant is expected to disrupt NF1 protein function with a positive predictive value of 95%. In summary, the available evidence is currently insufficient to determine the role of this variant in disease. Therefore, it has been classified as a Variant of Uncertain Significance.

Ambry Genetics
Classification: Uncertain significance for Cardiovascular phenotype; Hereditary cancer-predisposing syndrome. Last evaluated: 2025-01-14. Review status: criteria provided, single submitter. Criteria: Ambry Variant Classification Scheme 2023. Collection method: clinical testing. Allele origin: germline.

Genome-Nilou Lab
Classification: Uncertain significance for Neurofibromatosis, type 1. Last evaluated: 2022-03-15. Review status: criteria provided, single submitter. Criteria: ACMG Guidelines, 2015. Collection method: clinical testing. Allele origin: germline. Affected: no.

Fulgent Genetics
Classification: Uncertain significance for Neurofibromatosis, type 1; Neurofibromatosis, familial spinal; Café-au-lait macules with pulmonary stenosis; Neurofibromatosis-Noonan syndrome; Juvenile myelomonocytic leukemia. Last evaluated: 2021-08-25. Review status: criteria provided, single submitter. Criteria: ACMG Guidelines, 2015. Collection method: clinical testing. Allele origin: unknown.

Ambry Genetics
Classification: Uncertain significance for Hereditary cancer-predisposing syndrome. Last evaluated: 2015-10-30. Review status: criteria provided, single submitter. Criteria: Ambry Autosomal Dominant and X-Linked criteria (10/2015). Collection method: clinical testing. Allele origin: germline. Observed: 1 variant allele.
Comment: The p.A1858T variant (also known as c.5572G>A), located in coding exon 38 of the NF1 gene, results from a G to A substitution at nucleotide position 5572. The alanine at codon 1858 is replaced by threonine, an amino acid with similar properties. This variant was not reported in population based cohorts in the following databases: Database of Single Nucleotide Polymorphisms (dbSNP), NHLBI Exome Sequencing Project (ESP), and 1000 Genomes Project. In the ESP, this variant was not observed in 6503 samples (13006 alleles) with coverage at this position.<span style="background-color:initial">To date, this alteration has been detected with an allele frequency of approximately 0.001% (greater than 110000 alleles tested) in our clinical cohort.<span style="background-color:initial"><span style="background-color:initial">This amino acid position is highly conserved in available vertebrate species. In addition, this alteration is predicted to be benign<span style="background-color:initial">by PolyPhen but<span style="background-color:initial">deleterious by SIFT in silico<span style="background-color:initial"> analyses, respectively. <span style="background-color:initial">Since supporting evidence is limited at this time, the clinical significance of<span style="background-color:initial">p.A1858T<span style="background-color:initial">remains unclear.